The following is an entry in ClinVar:

ClinVar aggregate classification (germline): Pathogenic (1 of 4 stars; one submission).

Conditions:
Glycogen storage disease, type IV (GSD4). Also called: AMYLOPECTINOSIS; ANDERSEN DISEASE; BRANCHER DEFICIENCY; CIRRHOSIS, FAMILIAL, WITH DEPOSITION OF ABNORMAL GLYCOGEN; GBE1 DEFICIENCY; GLYCOGEN BRANCHING ENZYME DEFICIENCY. Identifiers: Orphanet 367, MedGen C0017923, MONDO:0009292, OMIM 232500.
Glycogen storage disease IV, classic hepatic. Also called: GSD IV, CLASSIC HEPATIC. Identifiers: MedGen C1856301.

Submission:

Labcorp Genetics (formerly Invitae), Labcorp
Classification: Pathogenic for Glycogen storage disease, type IV; Glycogen storage disease IV, classic hepatic. Last evaluated: 2023-04-14. Review status: criteria provided, single submitter. Criteria: Invitae Variant Classification Sherloc (09022015). Collection method: clinical testing. Allele origin: germline.
Comment: For these reasons, this variant has been classified as Pathogenic. This variant has not been reported in the literature in individuals affected with GBE1-related conditions. This variant is not present in population databases (gnomAD no frequency). This sequence change creates a premature translational stop signal (p.Tyr535*) in the GBE1 gene. It is expected to result in an absent or disrupted protein product. Loss-of-function variants in GBE1 are known to be pathogenic (PMID: 15452297, 20058079).

Literature cited by the submitters: PubMed 15452297; PubMed 20058079.

NM_000158.4(GBE1):c.1605T>A (p.Tyr535Ter)

Gene: GBE1 (1,4-alpha-glucan branching enzyme 1; minus strand). Cytogenetic location: 3p12.2.
Variant type: single nucleotide variant.
Coding change: c.1605T>A on transcript NM_000158.4 (MANE Select); coding-DNA position 1605, T replaced by A.
Protein change: p.Tyr535Ter; replaces tyrosine 535 with a stop codon.
Molecular consequence: nonsense.
Genome position (GRCh38, 1-based): chr3:81,577,938, A>T on the plus strand (T>A on the coding strand, the complement: GBE1 is on the minus strand). VCF-style: chr3-81577938-A-T. GRCh37 (hg19) VCF-style: chr3-81627089-A-T.
Other names: short protein forms Y535*.
Identifiers: ClinVar variation 2946702 (VCV002946702.3), dbSNP rs2471722766, ClinGen allele CA353684586.
Genomic context (GRCh38, chr3:81,577,938, plus strand): 5'-GTTAACATTTTAAACACAAATTGCATATGTGTTTAACTCACACTTACCCATGAAATTGAG[A>T]TAGCCTTCTCCACCAAGCCCATGCGTAATGAGTCGAATCATTTTATGAAGCTGTATTCCA-3'